The following is an entry in ClinVar:

ClinVar aggregate classification (germline): Uncertain significance (1 of 4 stars; one submission).

Submission:

Labcorp Genetics (formerly Invitae), Labcorp
Classification: Uncertain significance. Last evaluated: 2022-01-07. Review status: criteria provided, single submitter. Criteria: Invitae Variant Classification Sherloc (09022015). Collection method: clinical testing. Allele origin: germline.
Comment: This sequence change replaces glycine, which is neutral and non-polar, with alanine, which is neutral and non-polar, at codon 554 of the HNF1A protein (p.Gly554Ala). In summary, the available evidence is currently insufficient to determine the role of this variant in disease. Therefore, it has been classified as a Variant of Uncertain Significance. Advanced modeling of protein sequence and biophysical properties (such as structural, functional, and spatial information, amino acid conservation, physicochemical variation, residue mobility, and thermodynamic stability) performed at Invitae indicates that this missense variant is not expected to disrupt HNF1A protein function. This variant has not been reported in the literature in individuals affected with HNF1A-related conditions. This variant is not present in population databases (gnomAD no frequency).

NM_000545.8(HNF1A):c.1661G>C (p.Gly554Ala)

Gene: HNF1A (HNF1 homeobox A; plus strand). Cytogenetic location: 12q24.31.
Variant type: single nucleotide variant.
Coding change: c.1661G>C on transcript NM_000545.8 (MANE Select); coding-DNA position 1661, G replaced by C.
Protein change: p.Gly554Ala; replaces glycine 554 with alanine.
Molecular consequence: missense variant.
Genome position (GRCh38, 1-based): chr12:120,999,520, G>C. VCF-style: chr12-120999520-G-C. GRCh37 (hg19) VCF-style: chr12-121437323-G-C.
Other names: c.1682G>C, p.Gly561Ala (NM_001306179.2); c.1469G>C, p.Gly490Ala (NM_001406915.1); short protein forms G490A, G554A, G561A.
Identifiers: ClinVar variation 1910657 (VCV001910657.5), dbSNP rs1389004504, ClinGen allele CA386972869.